The following is an entry in ClinVar:

ClinVar aggregate classification (germline): Pathogenic. Review status: criteria provided, multiple submitters, no conflicts (2 of 4 stars). 3 submissions from 3 submitters: Pathogenic (2). 1 of the submissions does not count toward it. Last evaluated 2021-12-21.

Conditions:
Hereditary cancer-predisposing syndrome. Also called: Hereditary Cancer Syndrome; Hereditary neoplastic syndrome; Neoplastic Syndromes, Hereditary; Tumor predisposition. Identifiers: Orphanet 140162, MedGen C0027672, MeSH D009386, MONDO:0015356.
Hereditary breast ovarian cancer syndrome. Also called: Hereditary breast and ovarian cancer syndrome (HBOC); Breast and ovarian cancer; BRCA1- and BRCA2-Associated Hereditary Breast and Ovarian Cancer; Hereditary breast and/or ovarian cancer syndrome; Hereditary breast and ovarian cancer; Hereditary breast and ovarian cancer syndrome. Identifiers: Orphanet 145, MedGen C0677776, MeSH D061325, MONDO:0003582. Disease mechanism: loss of function.

Submissions (3):

Labcorp Genetics (formerly Invitae), Labcorp
Classification: Pathogenic for Hereditary breast ovarian cancer syndrome. Last evaluated: 2021-12-21. Review status: criteria provided, single submitter. Criteria: Invitae Variant Classification Sherloc (09022015). Collection method: clinical testing. Allele origin: germline.
Comment: For these reasons, this variant has been classified as Pathogenic. Algorithms developed to predict the effect of sequence changes on RNA splicing suggest that this variant may create or strengthen a splice site. ClinVar contains an entry for this variant (Variation ID: 431240). This variant has not been reported in the literature in individuals affected with BRCA1-related conditions. This variant is not present in population databases (gnomAD no frequency). This sequence change creates a premature translational stop signal (p.Thr1022Asnfs*6) in the BRCA1 gene. It is expected to result in an absent or disrupted protein product. Loss-of-function variants in BRCA1 are known to be pathogenic (PMID: 20104584).

Ambry Genetics
Classification: Pathogenic for Hereditary cancer-predisposing syndrome. Last evaluated: 2019-08-21. Review status: criteria provided, single submitter. Criteria: Ambry Variant Classification Scheme 2023. Collection method: clinical testing. Allele origin: germline.
Comment: The c.3064dupA pathogenic mutation, located in coding exon 9 of the BRCA1 gene, results from a duplication of A at nucleotide position 3064, causing a translational frameshift with a predicted alternate stop codon (p.T1022Nfs*6). This variant was identified in 1/2733 women aged 40 years or younger at first diagnosis of invasive breast cancer (Copson ER et al. Lancet Oncol., 2018 02;19:169-180). In addition to the clinical data presented in the literature, this alteration is expected to result in loss of function by premature protein truncation or nonsense-mediated mRNA decay. As such, this alteration is interpreted as a disease-causing mutation.

Research Molecular Genetics Laboratory, Women's College Hospital, University of Toronto
Classification: Pathogenic for Hereditary breast ovarian cancer syndrome. Last evaluated: 2014-01-31. Review status: no assertion criteria provided. Collection method: research. Allele origin: germline. Affected: yes. Study: The Canadian Open Genetics Repository (COGR). Not counted in ClinVar's aggregate classification.

Literature cited by the submitters: PubMed 20104584 (cited by Labcorp Genetics (formerly Invitae), Labcorp); PubMed 29337092 (cited by Ambry Genetics).

NM_007294.4(BRCA1):c.3064dup (p.Thr1022fs)

Gene: BRCA1 (BRCA1 DNA repair associated; minus strand). Cytogenetic location: 17q21.31.
Variant type: Duplication.
Coding change: c.3064dup on transcript NM_007294.4 (MANE Select); coding-DNA position 3064, one base duplicated (A; older notation c.3064dupA).
Protein change: p.Thr1022fs; shifts the reading frame from threonine 1022.
Molecular consequence: frameshift variant. On other transcripts: intron variant (137).
Genome position (GRCh38, 1-based): chr17:43,092,467, T duplicated on the plus strand (A on the coding strand, the reverse complement: BRCA1 is on the minus strand). VCF-style (leftmost placement, unchanged base first): chr17-43092466-G-GT. GRCh37 (hg19) VCF-style: chr17-41244483-G-GT.
Other names: c.3064_3065insA (NM_007294.3); c.3064dupA (NM_007294.3); c.545-1435dup (NM_001408495.1); c.662-1435dup (NM_001408448.1, NM_001408445.1, NM_001408432.1 and 6 more transcripts); c.668-1435dup (NM_001408421.1, NM_001408431.1, NM_001408424.1); c.785-1435dup (NM_001407991.1, NM_001408407.1, NM_001408402.1 and 13 more transcripts); c.665-1435dup (NM_001408427.1, NM_001408443.1, NM_001408439.1 and 12 more transcripts); c.524-1435dup (NM_001408496.1, NM_001408499.1, NM_001408498.1 and 3 more transcripts); and 43 more; short protein forms T1022fs, T975fs, T1021fs, T911fs, T951fs, T952fs, T954fs, T995fs.
Identifiers: ClinVar variation 431240 (VCV000431240.11), dbSNP rs1135401858, ClinGen allele CA645373184.